The following is an entry in ClinVar:

ClinVar aggregate classification (germline): Uncertain significance. Review status: criteria provided, multiple submitters, no conflicts (2 of 4 stars). 2 submissions from 2 submitters: Uncertain significance (2). Last evaluated 2025-01-13.

Conditions:
Inborn genetic diseases. Identifiers: MedGen C0950123, MeSH D030342.
DOCK2 deficiency. Also called: Immunodeficiency 40. Identifiers: Orphanet 447737, MedGen C4225328, MONDO:0014637, OMIM 616433.

Allele frequency attached by ClinVar (database versions not stated): gnomAD exomes below 0.00001 and 0.00002; ExAC 0.00002; gnomAD 0.00011; TOPMed 0.00011; ESP Exome Variant Server 0.00015.
gnomAD v4.1: 21 of 1,613,968 alleles (0.0013%); highest among the groups gnomAD compares: African/African-American, 0.02%; no homozygotes.

Submissions (2):

Labcorp Genetics (formerly Invitae), Labcorp
Classification: Uncertain significance for DOCK2 deficiency. Last evaluated: 2025-01-13. Review status: criteria provided, single submitter. Criteria: Invitae Variant Classification Sherloc (09022015). Collection method: clinical testing. Allele origin: germline.
Comment: This sequence change replaces glycine, which is neutral and non-polar, with serine, which is neutral and polar, at codon 1793 of the DOCK2 protein (p.Gly1793Ser). This variant is present in population databases (rs146061014, gnomAD 0.03%). This variant has not been reported in the literature in individuals affected with DOCK2-related conditions. ClinVar contains an entry for this variant (Variation ID: 1009043). An algorithm developed to predict the effect of missense changes on protein structure and function outputs the following: PolyPhen-2: "Benign". The serine amino acid residue is found in multiple mammalian species, which suggests that this missense change does not adversely affect protein function. In summary, the available evidence is currently insufficient to determine the role of this variant in disease. Therefore, it has been classified as a Variant of Uncertain Significance.

Ambry Genetics
Classification: Uncertain significance for Inborn genetic diseases. Last evaluated: 2022-09-22. Review status: criteria provided, single submitter. Criteria: Ambry Variant Classification Scheme 2023. Collection method: clinical testing. Allele origin: germline.

NM_004946.3(DOCK2):c.5377G>A (p.Gly1793Ser)

Gene: DOCK2 (dedicator of cytokinesis 2; plus strand). Cytogenetic location: 5q35.1.
Variant type: single nucleotide variant.
Coding change: c.5377G>A on transcript NM_004946.3 (MANE Select); coding-DNA position 5377, G replaced by A.
Protein change: p.Gly1793Ser; replaces glycine 1793 with serine.
Molecular consequence: missense variant. On other transcripts: non-coding transcript variant (1).
Genome position (GRCh38, 1-based): chr5:170,081,931, G>A. VCF-style: chr5-170081931-G-A. GRCh37 (hg19) VCF-style: chr5-169508935-G-A.
Other names: c.5377G>A (NM_004946.2); short protein forms G1793S.
Identifiers: ClinVar variation 1009043 (VCV001009043.5), dbSNP rs146061014, ClinGen allele CA3554864.